The following is an entry in ClinVar:

ClinVar aggregate classification (germline): Uncertain significance (1 of 4 stars; one submission).

Allele frequency attached by ClinVar (database versions not stated): gnomAD exomes below 0.00001; ExAC 0.00001.
gnomAD v4.1: 4 of 1,614,128 alleles (0.00025%); highest among the groups gnomAD compares: South Asian, 0.0011%; no homozygotes.

Submission:

Labcorp Genetics (formerly Invitae), Labcorp
Classification: Uncertain significance. Last evaluated: 2022-12-02. Review status: criteria provided, single submitter. Criteria: Invitae Variant Classification Sherloc (09022015). Collection method: clinical testing. Allele origin: germline.
Comment: In summary, the available evidence is currently insufficient to determine the role of this variant in disease. Therefore, it has been classified as a Variant of Uncertain Significance. Algorithms developed to predict the effect of missense changes on protein structure and function are either unavailable or do not agree on the potential impact of this missense change (SIFT: "Deleterious"; PolyPhen-2: "Benign"; Align-GVGD: "Class C0"). ClinVar contains an entry for this variant (Variation ID: 1413258). This variant has not been reported in the literature in individuals affected with DPF2-related conditions. This variant is present in population databases (rs779290988, gnomAD 0.003%). This sequence change replaces arginine, which is basic and polar, with glutamine, which is neutral and polar, at codon 152 of the DPF2 protein (p.Arg152Gln).

NM_006268.5(DPF2):c.455G>A (p.Arg152Gln)

Gene: DPF2 (double PHD fingers 2; plus strand). Cytogenetic location: 11q13.1.
Variant type: single nucleotide variant.
Coding change: c.455G>A on transcript NM_006268.5 (MANE Select); coding-DNA position 455, G replaced by A.
Protein change: p.Arg152Gln; replaces arginine 152 with glutamine.
Molecular consequence: missense variant.
Genome position (GRCh38, 1-based): chr11:65,341,552, G>A. VCF-style: chr11-65341552-G-A. GRCh37 (hg19) VCF-style: chr11-65109023-G-A.
Other names: c.455G>A, p.Arg152Gln (NM_001330308.2); short protein forms R152Q.
Identifiers: ClinVar variation 1413258 (VCV001413258.8), dbSNP rs779290988, ClinGen allele CA6095269.